The following is an entry in ClinVar:

ClinVar aggregate classification (germline): Likely benign (1 of 4 stars; one submission).

Conditions:
SDHD-related disorder. Also called: SDHD-related condition.

Submission:

PreventionGenetics, part of Exact Sciences
Classification: Likely benign for SDHD-related condition. Last evaluated: 2026-01-08. Review status: criteria provided, single submitter. Criteria: ACMG Guidelines, 2015. Collection method: clinical testing. Allele origin: germline.
Comment: This variant is classified as likely benign based on ACMG/AMP sequence variant interpretation guidelines (Richards et al. 2015 PMID: 25741868, with internal and published modifications).

NM_003002.4(SDHD):c.315-1696_315-1681dup

Gene: SDHD (succinate dehydrogenase complex subunit D; plus strand). Cytogenetic location: 11q23.1.
Variant type: Duplication.
Coding change: c.315-1696_315-1681dup on transcript NM_003002.4 (MANE Select); 1696 bases into the intron before coding-DNA position 315 through 1681 bases into the intron before coding-DNA position 315, 16 bases duplicated (GGCACGATCTCGGCTC).
Molecular consequence: intron variant. On other transcripts: frameshift variant (1).
Genome position (GRCh38, 1-based): chr11:112,093,109-112,093,124, GGCACGATCTCGGCTC duplicated; duplicating any 16 consecutive bases within chr11:112,093,104-112,093,124 gives the same sequence; the c. name uses the placement nearest the transcript's 3' end. VCF-style (leftmost placement, unchanged base first): chr11-112093103-T-TGGCTCGGCACGATCTC. GRCh37 (hg19) VCF-style: chr11-111963827-T-TGGCTCGGCACGATCTC.
Other names: c.344_359dup, p.Gln124fs (NM_001276506.2); c.170-1696_170-1681dup (NM_001276503.2); c.198-1696_198-1681dup (NM_001276504.2); short protein forms Q124fs.
Identifiers: ClinVar variation 4985944 (VCV004985944.1).